The following is an entry in ClinVar:

NM_002474.3(MYH11):c.2442C>T (p.Thr814=)

Gene: MYH11 (myosin heavy chain 11; minus strand). Cytogenetic location: 16p13.11.
Variant type: single nucleotide variant.
Coding change: c.2442C>T on transcript NM_002474.3 (MANE Select); coding-DNA position 2442, C replaced by T.
Protein change: p.Thr814=; no amino-acid change (threonine 814 retained).
Molecular consequence: synonymous variant.
Genome position (GRCh38, 1-based): chr16:15,745,207, G>A on the plus strand (C>T on the coding strand, the complement: MYH11 is on the minus strand). VCF-style: chr16-15745207-G-A. GRCh37 (hg19) VCF-style: chr16-15839064-G-A.
Other names: c.2463C>T, p.Thr821= (NM_001040113.2, NM_001040114.2); c.2442C>T, p.Thr814= (NM_022844.3).
Identifiers: ClinVar variation 413412 (VCV000413412.18), dbSNP rs759602174, ClinGen allele CA7922266.

ClinVar aggregate classification (germline): Likely benign. Review status: criteria provided, multiple submitters, no conflicts (2 of 4 stars). 6 submissions from 6 submitters: Likely benign (6). Last evaluated 2026-09-25.

Conditions:
MYH11-related disorder. Also called: MYH11-related condition.
Familial thoracic aortic aneurysm and aortic dissection (TAAD). Also called: Thoracic aortic aneurysms and dissections. Identifiers: Orphanet 91387, MedGen C4707243, MONDO:0019625.
Aortic aneurysm, familial thoracic 4 (AAT4). Also called: AORTIC ANEURYSM/AORTIC DISSECTION AND PATENT DUCTUS ARTERIOSUS. Identifiers: MedGen C1851504, MONDO:0007568, OMIM 132900.

Allele frequency attached by ClinVar (database versions not stated): gnomAD exomes below 0.00001; ExAC 0.00001; TOPMed 0.00001; gnomAD 0.00003.
gnomAD v4.1: 7 of 1,614,032 alleles (0.00043%); highest among the groups gnomAD compares: Non-Finnish European, 0.00051%; no homozygotes.

Submissions (6):

PreventionGenetics, part of Exact Sciences
Classification: Likely benign for MYH11-related condition. Last evaluated: 2026-09-25. Review status: criteria provided, single submitter. Criteria: ACMG Guidelines, 2015. Collection method: clinical testing. Allele origin: germline.
Comment: This variant is classified as likely benign based on ACMG/AMP sequence variant interpretation guidelines (Richards et al. 2015 PMID: 25741868, with internal and published modifications).

Labcorp Genetics (formerly Invitae), Labcorp
Classification: Likely benign for Aortic aneurysm, familial thoracic 4. Last evaluated: 2025-09-12. Review status: criteria provided, single submitter. Criteria: Invitae Variant Classification Sherloc (09022015). Collection method: clinical testing. Allele origin: germline.

Women's Health and Genetics/Laboratory Corporation of America, LabCorp
Classification: Likely benign. Last evaluated: 2024-01-15. Review status: criteria provided, single submitter. Criteria: LabCorp Variant Classification Summary - May 2015. Collection method: clinical testing. Allele origin: germline.

All of Us Research Program, National Institutes of Health
Classification: Likely benign for Familial thoracic aortic aneurysm and aortic dissection. Last evaluated: 2023-11-28. Review status: criteria provided, single submitter. Criteria: ACMG Guidelines, 2015. Collection method: clinical testing. Allele origin: germline. Inheritance: Autosomal dominant inheritance. Observed: 5 variant alleles, 5 heterozygotes.
Comment: This study involves interpretation of variants in research participants for the purpose of population health screening. Participant phenotype was not available at the time of variant classification. Additional details can be found in publication PMID: 35346344, PMCID: PMC8962531

Ambry Genetics
Classification: Likely benign for Familial thoracic aortic aneurysm and aortic dissection. Last evaluated: 2022-04-01. Review status: criteria provided, single submitter. Criteria: Ambry Variant Classification Scheme 2023. Collection method: clinical testing. Allele origin: germline.

Color Diagnostics, LLC DBA Color Health
Classification: Likely benign for Familial thoracic aortic aneurysm and aortic dissection. Last evaluated: 2018-10-17. Review status: criteria provided, single submitter. Criteria: ACMG Guidelines, 2015. Collection method: clinical testing. Allele origin: germline.